The following is an entry in ClinVar:

ClinVar aggregate classification (germline): Pathogenic (3 of 4 stars; one submission).

Conditions:
Breast-ovarian cancer, familial, susceptibility to, 2 (BROVCA2). Also called: BRCA2 Hereditary Breast and Ovarian Cancer. Identifiers: Orphanet 145, MedGen C2675520, MONDO:0012933, OMIM 612555. Disease mechanism: loss of function.

Submission:

Evidence-based Network for the Interpretation of Germline Mutant Alleles (ENIGMA)
Classification: Pathogenic for Breast-ovarian cancer, familial, susceptibility to, 2. Last evaluated: 2017-12-15. Review status: reviewed by expert panel. Criteria: ENIGMA BRCA1/2 Classification Criteria (2017-06-29). Collection method: curation. Allele origin: germline. Study: ENIGMA.
Comment: Variant allele predicted to encode a truncated non-functional protein.

NM_000059.4(BRCA2):c.1548del (p.Phe516fs)

Gene: BRCA2 (BRCA2 DNA repair associated; plus strand). Cytogenetic location: 13q13.1.
Variant type: Deletion.
Coding change: c.1548del on transcript NM_000059.4 (MANE Select); coding-DNA position 1548, one base deleted (C; older notation c.1548delC).
Protein change: p.Phe516fs; shifts the reading frame from phenylalanine 516.
Molecular consequence: frameshift variant.
Genome position (GRCh38, 1-based): chr13:32,333,026, C deleted. VCF-style (leftmost placement, unchanged base first): chr13-32333025-TC-T. GRCh37 (hg19) VCF-style: chr13-32907162-TC-T.
Other names: c.1548delC (NM_000059.3); short protein forms F516fs.
Identifiers: ClinVar variation 548328 (VCV000548328.1), dbSNP rs1555281944, ClinGen allele CA658823567.